The following is an entry in ClinVar:

ClinVar aggregate classification (germline): Likely benign. Review status: criteria provided, multiple submitters, no conflicts (2 of 4 stars). 4 submissions from 4 submitters: Likely benign (4). Last evaluated 2026-08-27.

Conditions:
VCL-related disorder. Also called: VCL-related condition.
Cardiovascular phenotype. Identifiers: MedGen CN230736.
Dilated cardiomyopathy 1W (CMD1W). Identifiers: Orphanet 154, MedGen C1969639, MONDO:0012667, OMIM 611407.

Allele frequency attached by ClinVar (database versions not stated): gnomAD exomes below 0.00001; TOPMed below 0.00001; gnomAD 0.00001.
gnomAD v4.1: 4 of 1,614,106 alleles (0.00025%); highest among the groups gnomAD compares: African/African-American, 0.0013%; no homozygotes.

Submissions (4):

PreventionGenetics, part of Exact Sciences
Classification: Likely benign for VCL-related condition. Last evaluated: 2026-08-27. Review status: criteria provided, single submitter. Criteria: ACMG Guidelines, 2015. Collection method: clinical testing. Allele origin: germline.
Comment: This variant is classified as likely benign based on ACMG/AMP sequence variant interpretation guidelines (Richards et al. 2015 PMID: 25741868, with internal and published modifications).

Labcorp Genetics (formerly Invitae), Labcorp
Classification: Likely benign for Dilated cardiomyopathy 1W. Last evaluated: 2025-12-02. Review status: criteria provided, single submitter. Criteria: Invitae Variant Classification Sherloc (09022015). Collection method: clinical testing. Allele origin: germline.

Ambry Genetics
Classification: Likely benign for Cardiovascular phenotype. Last evaluated: 2023-06-18. Review status: criteria provided, single submitter. Criteria: Ambry Variant Classification Scheme 2023. Collection method: clinical testing. Allele origin: germline.

GeneDx
Classification: Likely benign. Last evaluated: 2015-12-13. Review status: criteria provided, single submitter. Criteria: GeneDx Variant Classification (06012015). Collection method: clinical testing. Allele origin: germline. Affected: yes.
Comment: This variant is considered likely benign or benign based on one or more of the following criteria: it is a conservative change, it occurs at a poorly conserved position in the protein, it is predicted to be benign by multiple in silico algorithms, and/or has population frequency not consistent with disease.

NM_014000.3(VCL):c.2769G>A (p.Val923=)

Gene: VCL (vinculin; plus strand). Cytogenetic location: 10q22.2.
Variant type: single nucleotide variant.
Coding change: c.2769G>A on transcript NM_014000.3 (MANE Select); coding-DNA position 2769, G replaced by A.
Protein change: p.Val923=; no amino-acid change (valine 923 retained).
Molecular consequence: synonymous variant. On other transcripts: intron variant (1).
Genome position (GRCh38, 1-based): chr10:74,111,932, G>A. VCF-style: chr10-74111932-G-A. GRCh37 (hg19) VCF-style: chr10-75871690-G-A.
Other names: c.2746-2252G>A (NM_003373.4).
Identifiers: ClinVar variation 382287 (VCV000382287.11), dbSNP rs1057521313, ClinGen allele CA16606057.
Genomic context (GRCh38, chr10:74,111,932, plus strand): 5'-CTATCCCTATTTCTCATCCTTCCCGCCATCGACAAAGCCGGGCATCCCAGCCGCTGAGGT[G>A]GGTATAGGTGTTGTAGCTGAGGCAGATGCGGCCGATGCTGCTGGCTTCCCTGTCCCCCCT-3'
Protein context (NP_054706.1, residues 913-933): SSKPGIPAAE[Val923=]GIGVVAEADA